The following is an entry in ClinVar:

NM_005732.4(RAD50):c.1432_1433dup (p.Asp478fs)

Gene: RAD50 (RAD50 double strand break repair protein; plus strand). Cytogenetic location: 5q31.1.
Variant type: Duplication.
Coding change: c.1432_1433dup on transcript NM_005732.4 (MANE Select); coding-DNA positions 1432 to 1433, 2 bases duplicated (GA; older notation c.1432_1433dupGA).
Protein change: p.Asp478fs; shifts the reading frame from aspartic acid 478.
Molecular consequence: frameshift variant.
Genome position (GRCh38, 1-based): chr5:132,589,817-132,589,818, GA duplicated. VCF-style (leftmost placement, unchanged base first): chr5-132589816-G-GGA. GRCh37 (hg19) VCF-style: chr5-131925508-G-GGA.
Other names: c.1432_1433dupGA (NM_005732.3); short protein forms D478fs.
Identifiers: ClinVar variation 527343 (VCV000527343.9), dbSNP rs1554098333, ClinGen allele CA658796638.

ClinVar aggregate classification (germline): Pathogenic (1 of 4 stars; one submission).

Conditions:
Hereditary cancer-predisposing syndrome. Also called: Neoplastic Syndromes, Hereditary; Tumor predisposition; Hereditary Cancer Syndrome; Hereditary neoplastic syndrome. Identifiers: Orphanet 140162, MedGen C0027672, MeSH D009386, MONDO:0015356.

Submission:

Labcorp Genetics (formerly Invitae), Labcorp
Classification: Pathogenic for Hereditary cancer-predisposing syndrome. Last evaluated: 2021-12-08. Review status: criteria provided, single submitter. Criteria: Invitae Variant Classification Sherloc (09022015). Collection method: clinical testing. Allele origin: germline.
Comment: For these reasons, this variant has been classified as Pathogenic. ClinVar contains an entry for this variant (Variation ID: 527343). This variant has not been reported in the literature in individuals affected with RAD50-related conditions. This variant is not present in population databases (gnomAD no frequency). This sequence change creates a premature translational stop signal (p.Asp478Glufs*6) in the RAD50 gene. It is expected to result in an absent or disrupted protein product. Loss-of-function variants in RAD50 are known to be pathogenic (PMID: 19409520).

Literature cited by the submitters: PubMed 19409520.